The following is an entry in ClinVar:

NM_004329.3(BMPR1A):c.1343-3T>C

Gene: BMPR1A (bone morphogenetic protein receptor type 1A; plus strand). Cytogenetic location: 10q23.2.
Variant type: single nucleotide variant.
Coding change: c.1343-3T>C on transcript NM_004329.3 (MANE Select); 3 bases into the intron before coding-DNA position 1343, T replaced by C.
Molecular consequence: intron variant.
Genome position (GRCh38, 1-based): chr10:86,923,373, T>C. VCF-style: chr10-86923373-T-C. GRCh37 (hg19) VCF-style: chr10-88683130-T-C.
Identifiers: ClinVar variation 482857 (VCV000482857.22), dbSNP rs771504880, ClinGen allele CA5585703.

ClinVar aggregate classification (germline): Conflicting classifications of pathogenicity. Review status: criteria provided, conflicting classifications (1 of 4 stars). 6 submissions from 6 submitters: Uncertain significance (1); Benign (1); Likely benign (4). Last evaluated 2025-11-23.

Conditions:
Polyposis syndrome, hereditary mixed, 2. Identifiers: Orphanet 157794, MedGen C1864730, MONDO:0012405, OMIM 610069.
Juvenile polyposis syndrome (JPS). Identifiers: Orphanet 2929, MedGen C0345893, MONDO:0017380, OMIM 174900.
Hereditary cancer-predisposing syndrome. Also called: Hereditary neoplastic syndrome; Neoplastic Syndromes, Hereditary; Tumor predisposition; Hereditary Cancer Syndrome. Identifiers: Orphanet 140162, MedGen C0027672, MeSH D009386, MONDO:0015356.

Allele frequency attached by ClinVar (database versions not stated): gnomAD exomes below 0.00001 and 0.00001; ExAC 0.00001; gnomAD 0.00001; TOPMed 0.00002.
gnomAD v4.1: 8 of 1,614,004 alleles (0.0005%); highest among the groups gnomAD compares: African/African-American, 0.0027%; no homozygotes.

Submissions (6):

Labcorp Genetics (formerly Invitae), Labcorp
Classification: Likely benign for Juvenile polyposis syndrome. Last evaluated: 2025-11-23. Review status: criteria provided, single submitter. Criteria: Invitae Variant Classification Sherloc (09022015). Collection method: clinical testing. Allele origin: germline.

Ambry Genetics
Classification: Benign for Hereditary cancer-predisposing syndrome. Last evaluated: 2025-11-20. Review status: criteria provided, single submitter. Criteria: Ambry Variant Classification Scheme 2023. Collection method: clinical testing. Allele origin: germline.

Myriad Genetics, Inc.
Classification: Likely benign for Juvenile polyposis syndrome. Last evaluated: 2024-08-07. Review status: criteria provided, single submitter. Criteria: Myriad Autosomal Dominant, Autosomal Recessive and X-Linked Classification Criteria (2023). Collection method: clinical testing. Allele origin: unknown.
Comment: This variant is considered likely benign. This variant is intronic and is not expected to impact mRNA splicing.

Fulgent Genetics
Classification: Uncertain significance for Juvenile polyposis syndrome; Polyposis syndrome, hereditary mixed, 2. Last evaluated: 2024-06-07. Review status: criteria provided, single submitter. Criteria: ACMG Guidelines, 2015. Collection method: clinical testing. Allele origin: germline.

All of Us Research Program, National Institutes of Health
Classification: Likely benign for Juvenile polyposis syndrome. Last evaluated: 2024-05-30. Review status: criteria provided, single submitter. Criteria: ACMG Guidelines, 2015. Collection method: clinical testing. Allele origin: germline. Inheritance: Autosomal dominant inheritance. Observed: 1 variant allele, 1 heterozygote.
Comment: This study involves interpretation of variants in research participants for the purpose of population health screening. Participant phenotype was not available at the time of variant classification. Additional details can be found in publication PMID: 35346344, PMCID: PMC8962531

Color Diagnostics, LLC DBA Color Health
Classification: Likely benign for Hereditary cancer-predisposing syndrome. Last evaluated: 2016-06-13. Review status: criteria provided, single submitter. Criteria: ACMG Guidelines, 2015. Collection method: clinical testing. Allele origin: germline.